The following is an entry in ClinVar:

NM_004484.4(GPC3):c.755G>T (p.Cys252Phe)

Gene: GPC3 (glypican 3; minus strand). Cytogenetic location: Xq26.2.
Variant type: single nucleotide variant.
Coding change: c.755G>T on transcript NM_004484.4 (MANE Select); coding-DNA position 755, G replaced by T.
Protein change: p.Cys252Phe; replaces cysteine 252 with phenylalanine.
Molecular consequence: missense variant.
Genome position (GRCh38, 1-based): chrX:133,753,759, C>A on the plus strand (G>T on the coding strand, the complement: GPC3 is on the minus strand). VCF-style: chrX-133753759-C-A. GRCh37 (hg19) VCF-style: chrX-132887786-C-A.
Other names: c.755G>T, p.Cys252Phe (NM_001164617.2); c.707G>T, p.Cys236Phe (NM_001164618.2); c.593G>T, p.Cys198Phe (NM_001164619.2); short protein forms C236F, C252F, C198F.
Identifiers: ClinVar variation 939593 (VCV000939593.10), dbSNP rs2071694353, ClinGen allele CA414705923.

ClinVar aggregate classification (germline): Uncertain significance (1 of 4 stars; one submission).

Conditions:
Wilms tumor 1 (WT1). Also called: Wilms tumor, somatic. Identifiers: Orphanet 654, MedGen CN033288, MONDO:0008679, OMIM 194070.

Submission:

Labcorp Genetics (formerly Invitae), Labcorp
Classification: Uncertain significance for Wilms tumor 1. Last evaluated: 2019-09-11. Review status: criteria provided, single submitter. Criteria: Invitae Variant Classification Sherloc (09022015). Collection method: clinical testing. Allele origin: germline.
Comment: In summary, the available evidence is currently insufficient to determine the role of this variant in disease. Therefore, it has been classified as a Variant of Uncertain Significance. Algorithms developed to predict the effect of missense changes on protein structure and function (SIFT, PolyPhen-2, Align-GVGD) all suggest that this variant is likely to be disruptive, but these predictions have not been confirmed by published functional studies and their clinical significance is uncertain. This variant has not been reported in the literature in individuals with GPC3-related conditions. This variant is not present in population databases (ExAC no frequency). This sequence change replaces cysteine with phenylalanine at codon 252 of the GPC3 protein (p.Cys252Phe). The cysteine residue is highly conserved and there is a large physicochemical difference between cysteine and phenylalanine.